The following is an entry in ClinVar:

ClinVar aggregate classification (germline): Conflicting classifications of pathogenicity. Review status: criteria provided, conflicting classifications (1 of 4 stars). 6 submissions from 6 submitters: Uncertain significance (1); Likely benign (4). 1 of the submissions does not count toward it. Last evaluated 2026-01-24.

Conditions:
NAF1-related disorder. Also called: NAF1-related condition.

Allele frequency attached by ClinVar (database versions not stated): ESP Exome Variant Server 0.00070; TOPMed 0.00129; ExAC 0.00146; gnomAD exomes 0.00146; gnomAD 0.00153 and 0.00156; 1000 Genomes Project 30x 0.00172; 1000 Genomes Project 0.00180.
gnomAD v4.1: 2,676 of 1,491,242 alleles (0.18%); highest among the groups gnomAD compares: Admixed American, 0.27%; 7 homozygotes.

Submissions (6):

Labcorp Genetics (formerly Invitae), Labcorp
Classification: Likely benign. Last evaluated: 2026-01-24. Review status: criteria provided, single submitter. Criteria: Invitae Variant Classification Sherloc (09022015). Collection method: clinical testing. Allele origin: germline.

Blueprint Genetics
Classification: Likely benign. Last evaluated: 2024-11-18. Review status: criteria provided, single submitter. Criteria: ACMG Guidelines, 2015. Collection method: clinical testing. Allele origin: germline.

CeGaT Center for Human Genetics Tuebingen
Classification: Likely benign. Last evaluated: 2024-10-01. Review status: criteria provided, single submitter. Criteria: CeGaT Center For Human Genetics Tuebingen Variant Classification Criteria Version 2. Collection method: clinical testing. Allele origin: germline. Affected: yes. Observed: 1 variant allele.
Comment: NAF1: BS1

Mayo Clinic Laboratories, Mayo Clinic
Classification: Uncertain significance. Last evaluated: 2023-05-01. Review status: criteria provided, single submitter. Criteria: ACMG Guidelines, 2015. Collection method: clinical testing. Allele origin: germline. Observed: 2 variant alleles.
Comment: BP4

Genetic Services Laboratory, University of Chicago
Classification: Likely benign. Last evaluated: 2021-12-01. Review status: criteria provided, single submitter. Criteria: ACMG Guidelines, 2015. Collection method: clinical testing. Allele origin: germline. Affected: no.

PreventionGenetics, part of Exact Sciences
Classification: Likely benign for NAF1-related condition. Last evaluated: 2021-04-02. Review status: no assertion criteria provided. Collection method: clinical testing. Allele origin: germline. Not counted in ClinVar's aggregate classification.
Comment: This variant is classified as likely benign based on ACMG/AMP sequence variant interpretation guidelines (Richards et al. 2015 PMID: 25741868, with internal and published modifications).

NM_138386.3(NAF1):c.1478A>C (p.Tyr493Ser)

Gene: NAF1 (nuclear assembly factor 1 ribonucleoprotein; minus strand). Cytogenetic location: 4q32.2.
Variant type: single nucleotide variant.
Coding change: c.1478A>C on transcript NM_138386.3 (MANE Select); coding-DNA position 1478, A replaced by C.
Protein change: p.Tyr493Ser; replaces tyrosine 493 with serine.
Molecular consequence: missense variant. On other transcripts: intron variant (1).
Genome position (GRCh38, 1-based): chr4:163,128,904, T>G on the plus strand (A>C on the coding strand, the complement: NAF1 is on the minus strand). VCF-style: chr4-163128904-T-G. GRCh37 (hg19) VCF-style: chr4-164050056-T-G.
Other names: p.Tyr493Ser; c.1034-1789A>C (NM_001128931.2); short protein forms Y493S.
Identifiers: ClinVar variation 1337037 (VCV001337037.26), dbSNP rs143001503, ClinGen allele CA3126091.
Genomic context (GRCh38, chr4:163,128,904, plus strand): 5'-ATCCTTACCACATAATATGAAAAGTCCACATTTCTCTGGAAATGCATAGTCACCTAATAG[T>G]AAGGTCCAAAATGAGAATTACTATCTCCAGAAGAGGGTGGAGGAGGCAGTGGTGGAGGGG-3'
Protein context (NP_612395.2, residues 483-494): SGDSNSHFGP[Tyr493Ser]Y